The following is an entry in ClinVar:

ClinVar aggregate classification (germline): Uncertain significance. Review status: criteria provided, multiple submitters, no conflicts (2 of 4 stars). 3 submissions from 3 submitters: Uncertain significance (3). Last evaluated 2026-08-01.

Conditions:
Inborn genetic diseases. Identifiers: MedGen C0950123, MeSH D030342.
Pseudohypoaldosteronism type 2C (PHA2C). Also called: Pseudohypoaldosteronism Type IIC. Identifiers: Orphanet 757, Orphanet 88940, MedGen C1840391, MONDO:0013778, OMIM 614492.
Neuropathy, hereditary sensory and autonomic, type 2A (HSAN2A). Also called: WNK1-Related HSAN2 (HSAN2A); HSAN IIA; ACROOSTEOLYSIS, GIACCAI TYPE; ACROOSTEOLYSIS, NEUROGENIC; MORVAN DISEASE; NEUROPATHY, CONGENITAL SENSORY. Identifiers: Orphanet 970, MedGen C2752089, MONDO:0024309, OMIM 201300.

Allele frequency attached by ClinVar (database versions not stated): gnomAD 0.00001; TOPMed 0.00001; gnomAD exomes 0.00002.
gnomAD v4.1: 12 of 1,613,990 alleles (0.00074%); highest among the groups gnomAD compares: Non-Finnish European, 0.00093%; no homozygotes.

Submissions (3):

CeGaT Center for Human Genetics Tuebingen
Classification: Uncertain significance. Last evaluated: 2026-08-01. Review status: criteria provided, single submitter. Criteria: CeGaT Center For Human Genetics Tuebingen Variant Classification Criteria Version 2. Collection method: clinical testing. Allele origin: germline. Affected: yes. Observed: 1 variant allele.
Comment: WNK1: PM2

Labcorp Genetics (formerly Invitae), Labcorp
Classification: Uncertain significance for Neuropathy, hereditary sensory and autonomic, type 2A; Pseudohypoaldosteronism type 2C. Last evaluated: 2025-09-23. Review status: criteria provided, single submitter. Criteria: Invitae Variant Classification Sherloc (09022015). Collection method: clinical testing. Allele origin: germline.
Comment: This sequence change replaces glycine, which is neutral and non-polar, with serine, which is neutral and polar, at codon 1334 of the WNK1 protein (p.Gly1334Ser). This variant is present in population databases (no rsID available, gnomAD 0.007%). This variant has not been reported in the literature in individuals affected with WNK1-related conditions. ClinVar contains an entry for this variant (Variation ID: 1736933). Invitae Evidence Modeling of protein sequence and biophysical properties (such as structural, functional, and spatial information, amino acid conservation, physicochemical variation, residue mobility, and thermodynamic stability) indicates that this missense variant is not expected to disrupt WNK1 protein function with a negative predictive value of 95%. In summary, the available evidence is currently insufficient to determine the role of this variant in disease. Therefore, it has been classified as a Variant of Uncertain Significance.

Ambry Genetics
Classification: Uncertain significance for Inborn genetic diseases. Last evaluated: 2022-09-29. Review status: criteria provided, single submitter. Criteria: Ambry Variant Classification Scheme 2023. Collection method: clinical testing. Allele origin: germline.
Comment: The p.G1334S variant (also known as c.4000G>A), located in coding exon 14 of the WNK1 gene, results from a G to A substitution at nucleotide position 4000. The glycine at codon 1334 is replaced by serine, an amino acid with similar properties. This amino acid position is highly conserved in available vertebrate species. In addition, the in silico prediction for this alteration is inconclusive. Since supporting evidence is limited at this time, the clinical significance of this alteration remains unclear.

NM_018979.4(WNK1):c.3244G>A (p.Gly1082Ser)

Gene: WNK1 (WNK lysine deficient protein kinase 1; plus strand). Cytogenetic location: 12p13.33.
Variant type: single nucleotide variant.
Coding change: c.3244G>A on transcript NM_018979.4 (MANE Select); coding-DNA position 3244, G replaced by A.
Protein change: p.Gly1082Ser; replaces glycine 1082 with serine.
Molecular consequence: missense variant.
Genome position (GRCh38, 1-based): chr12:881,945, G>A. VCF-style: chr12-881945-G-A. GRCh37 (hg19) VCF-style: chr12-991111-G-A.
Other names: c.4024G>A, p.Gly1342Ser (NM_001184985.2); c.2503G>A, p.Gly835Ser (NM_014823.3); c.4000G>A, p.Gly1334Ser (NM_213655.5); short protein forms G1082S, G835S, G1342S, G1334S.
Identifiers: ClinVar variation 1736933 (VCV001736933.4), dbSNP rs1307505496, ClinGen allele CA383327946.